The following is an entry in ClinVar:

NM_001122769.3(LCA5):c.858+1G>C

Gene: LCA5 (lebercilin LCA5; minus strand). Cytogenetic location: 6q14.1.
Variant type: single nucleotide variant.
Coding change: c.858+1G>C on transcript NM_001122769.3 (MANE Select); the canonical splice donor site of the intron after coding-DNA position 858, G replaced by C.
Molecular consequence: splice donor variant.
Genome position (GRCh38, 1-based): chr6:79,493,612, C>G on the plus strand (G>C on the coding strand, the complement: LCA5 is on the minus strand). VCF-style: chr6-79493612-C-G. GRCh37 (hg19) VCF-style: chr6-80203329-C-G.
Other names: c.858+1G>C (NM_181714.4).
Identifiers: ClinVar variation 978442 (VCV000978442.7), dbSNP rs753594556, ClinGen allele CA3901011.

ClinVar aggregate classification (germline): Likely pathogenic. Review status: criteria provided, multiple submitters, no conflicts (2 of 4 stars). 3 submissions from 3 submitters: Likely pathogenic (2). 1 of the submissions does not count toward it. Last evaluated 2023-02-08.

Conditions:
Leber congenital amaurosis 5 (LCA5). Also called: Amaurosis congenita of Leber, type 5. Identifiers: Orphanet 65, MedGen C1858301, MONDO:0011473, OMIM 604537.

Allele frequency attached by ClinVar (database versions not stated): gnomAD exomes below 0.00001; ExAC 0.00001.
gnomAD v4.1: 1 of 1,611,250 alleles (0.000062%); highest among the groups gnomAD compares: Non-Finnish European, 0.000085%; no homozygotes.

Submissions (3):

Baylor Genetics
Classification: Likely pathogenic for Leber congenital amaurosis 5. Last evaluated: 2023-02-08. Review status: criteria provided, single submitter. Criteria: ACMG Guidelines, 2015. Collection method: clinical testing. Allele origin: unknown.

Labcorp Genetics (formerly Invitae), Labcorp
Classification: Likely pathogenic. Last evaluated: 2022-06-02. Review status: criteria provided, single submitter. Criteria: Invitae Variant Classification Sherloc (09022015). Collection method: clinical testing. Allele origin: germline.
Comment: ClinVar contains an entry for this variant (Variation ID: 978442). In summary, the currently available evidence indicates that the variant is pathogenic, but additional data are needed to prove that conclusively. Therefore, this variant has been classified as Likely Pathogenic. Algorithms developed to predict the effect of sequence changes on RNA splicing suggest that this variant may disrupt the consensus splice site. This variant has not been reported in the literature in individuals affected with LCA5-related conditions. This variant is present in population databases (rs753594556, gnomAD 0.0009%). This sequence change affects a donor splice site in intron 5 of the LCA5 gene. It is expected to disrupt RNA splicing. Variants that disrupt the donor or acceptor splice site typically lead to a loss of protein function (PMID: 16199547), and loss-of-function variants in LCA5 are known to be pathogenic (PMID: 17546029, 23946133).

Laboratory of Genetics in Ophthalmology, Institut Imagine
Classification: Pathogenic for Leber congenital amaurosis 5. Review status: no assertion criteria provided. Collection method: research. Allele origin: inherited. Affected: yes. Observed: 1 variant allele. Not counted in ClinVar's aggregate classification.

Literature cited by the submitters: PubMed 16199547 (cited by Labcorp Genetics (formerly Invitae), Labcorp); PubMed 17546029 (cited by Labcorp Genetics (formerly Invitae), Labcorp); PubMed 23946133 (cited by Labcorp Genetics (formerly Invitae), Labcorp).